The following is an entry in ClinVar:

NM_001003722.2(GLE1):c.1882-2A>G

Genes: GLE1 (GLE1 RNA export mediator; plus strand), LOC101929270 (uncharacterized LOC101929270; minus strand). Cytogenetic location: 9q34.11.
Variant type: single nucleotide variant.
Coding change: c.1882-2A>G on transcript NM_001003722.2 (MANE Select); the canonical splice acceptor site of the intron before coding-DNA position 1882, A replaced by G.
Molecular consequence: splice acceptor variant.
Genome position (GRCh38, 1-based): chr9:128,539,614, A>G. VCF-style: chr9-128539614-A-G. GRCh37 (hg19) VCF-style: chr9-131301893-A-G.
Other names: IVS14AS, A-G, -2; c.1882-2A>G (NM_001499.2); c.1909-2A>G (NM_001411013.1).
Identifiers: ClinVar variation 619141 (VCV000619141.10), dbSNP rs1336481358, ClinGen allele CA375045738.

ClinVar aggregate classification (germline): Pathogenic. Review status: criteria provided, single submitter (1 of 4 stars). 2 submissions from 2 submitters: Pathogenic (1). 1 of the submissions does not count toward it. Last evaluated 2021-01-01.

Conditions:
Lethal arthrogryposis-anterior horn cell disease syndrome (CAAHD). Also called: CONGENITAL ARTHROGRYPOSIS WITH ANTERIOR HORN CELL DISEASE. Identifiers: Orphanet 53696, MedGen C5193016, MONDO:0012750, OMIM 611890.

Allele frequency attached by ClinVar (database versions not stated): gnomAD 0.00001; gnomAD exomes 0.00001.
gnomAD v4.1: 14 of 1,609,980 alleles (0.00087%); highest among the groups gnomAD compares: Non-Finnish European, 0.0011%; no homozygotes.

Submissions (2):

Labcorp Genetics (formerly Invitae), Labcorp
Classification: Pathogenic. Last evaluated: 2021-01-01. Review status: criteria provided, single submitter. Criteria: Invitae Variant Classification Sherloc (09022015). Collection method: clinical testing. Allele origin: germline.
Comment: This variant is not present in population databases (ExAC no frequency). This variant has been observed in individual(s) with clinical features of lethal congenital contracture syndrome (PMID: 27684565). It has also been observed to segregate with disease in related individuals. ClinVar contains an entry for this variant (Variation ID: 619141). Studies have shown that this variant is associated with skipping of exon 14, which introduces a premature termination codon (PMID: 27684565). The resulting mRNA is expected to undergo nonsense-mediated decay. For these reasons, this variant has been classified as Pathogenic. This sequence change affects an acceptor splice site in intron 13 of the GLE1 gene. RNA analysis indicates that this variant induces altered splicing and may result in an absent or disrupted protein product.

OMIM
Classification: Pathogenic for CONGENITAL ARTHROGRYPOSIS WITH ANTERIOR HORN CELL DISEASE. Last evaluated: 2019-02-28. Review status: no assertion criteria provided. Collection method: literature only. Allele origin: germline. Not counted in ClinVar's aggregate classification.

Literature cited by the submitters: PubMed 27684565 (cited by Labcorp Genetics (formerly Invitae), Labcorp and OMIM).